The following is an entry in ClinVar:

ClinVar aggregate classification (germline): Benign (1 of 4 stars; one submission).

Conditions:
Landau-Kleffner syndrome (FESD). Also called: EPILEPSY, FOCAL, WITH SPEECH DISORDER AND WITH OR WITHOUT MENTAL RETARDATION; APHASIA, ACQUIRED, WITH EPILEPSY. Identifiers: Orphanet 1945, Orphanet 725, Orphanet 98818, MedGen C0282512, MONDO:0009509, OMIM 245570.

Allele frequency attached by ClinVar (database versions not stated): 1000 Genomes Project 0.00060; TOPMed 0.00174; gnomAD 0.00236; 1000 Genomes Project 30x 0.00047; gnomAD exomes 0.00215.
gnomAD v4.1: 480 of 232,584 alleles (0.21%); highest among the groups gnomAD compares: Non-Finnish European, 0.32%; 1 homozygote.

Submission:

Illumina Laboratory Services, Illumina
Classification: Benign for Landau-Kleffner syndrome. Last evaluated: 2018-01-13. Review status: criteria provided, single submitter. Criteria: ICSL Variant Classification Criteria 13 December 2019. Collection method: clinical testing. Allele origin: germline.
Comment: This variant was observed in the ICSL laboratory as part of a predisposition screen in an ostensibly healthy population. It had not been previously curated by ICSL or reported in the Human Gene Mutation Database (HGMD: prior to June 1st, 2018), and was therefore a candidate for classification through an automated scoring system. Utilizing variant allele frequency, disease prevalence and penetrance estimates, and inheritance mode, an automated score was calculated to assess if this variant is too frequent to cause the disease. Based on the score and internal cut-off values, a variant classified as benign is not then subjected to further curation. The score for this variant resulted in a classification of benign for this disease.

NM_001134407.3(GRIN2A):c.*2236G>A

Gene: GRIN2A (glutamate ionotropic receptor NMDA type subunit 2A; minus strand). Cytogenetic location: 16p13.2.
Variant type: single nucleotide variant.
Coding change: c.*2236G>A on transcript NM_001134407.3 (MANE Select); 2236 bases downstream of the stop codon, G replaced by A.
Molecular consequence: 3 prime UTR variant.
Genome position (GRCh38, 1-based): chr16:9,760,913, C>T on the plus strand (G>A on the coding strand, the complement: GRIN2A is on the minus strand). VCF-style: chr16-9760913-C-T. GRCh37 (hg19) VCF-style: chr16-9854770-C-T.
Other names: c.*2236G>A (NM_000833.5); c.*2442G>A (NM_001134408.2).
Identifiers: ClinVar variation 321570 (VCV000321570.5), dbSNP rs147419689, ClinGen allele CA10644774.